The following is an entry in ClinVar:

ClinVar aggregate classification (germline): Uncertain significance (1 of 4 stars; one submission).

Allele frequency attached by ClinVar (database versions not stated): TOPMed 0.00001.

Submission:

Labcorp Genetics (formerly Invitae), Labcorp
Classification: Uncertain significance. Last evaluated: 2022-01-17. Review status: criteria provided, single submitter. Criteria: Invitae Variant Classification Sherloc (09022015). Collection method: clinical testing. Allele origin: germline.
Comment: This variant has not been reported in the literature in individuals affected with CLUAP1-related conditions. This variant is not present in population databases (gnomAD no frequency). This sequence change replaces aspartic acid, which is acidic and polar, with glycine, which is neutral and non-polar, at codon 90 of the CLUAP1 protein (p.Asp90Gly). Algorithms developed to predict the effect of missense changes on protein structure and function are either unavailable or do not agree on the potential impact of this missense change (SIFT: "Tolerated"; PolyPhen-2: "Probably Damaging"; Align-GVGD: "Class C0"). In summary, the available evidence is currently insufficient to determine the role of this variant in disease. Therefore, it has been classified as a Variant of Uncertain Significance. Algorithms developed to predict the effect of sequence changes on RNA splicing suggest that this variant may create or strengthen a splice site.

NM_015041.3(CLUAP1):c.269A>G (p.Asp90Gly)

Gene: CLUAP1 (clusterin associated protein 1; plus strand). Cytogenetic location: 16p13.3.
Variant type: single nucleotide variant.
Coding change: c.269A>G on transcript NM_015041.3 (MANE Select); coding-DNA position 269, A replaced by G.
Protein change: p.Asp90Gly; replaces aspartic acid 90 with glycine.
Molecular consequence: missense variant.
Genome position (GRCh38, 1-based): chr16:3,508,338, A>G. VCF-style: chr16-3508338-A-G. GRCh37 (hg19) VCF-style: chr16-3558338-A-G.
Other names: c.269A>G, p.Asp90Gly (NM_001330454.2); short protein forms D90G.
Identifiers: ClinVar variation 2086717 (VCV002086717.4), dbSNP rs773976814, ClinGen allele CA276924607.